The following is an entry in ClinVar:

ClinVar aggregate classification (germline): Uncertain significance. Review status: criteria provided, multiple submitters, no conflicts (2 of 4 stars). 4 submissions from 4 submitters: Uncertain significance (4). Last evaluated 2024-03-27.

Conditions:
Acrocallosal syndrome (ACLS). Also called: Schinzel syndrome 1; Absence of corpus callosum with unusual facial appearance, mental deficiency, duplication of the halluces and polydactyly; HALLUX DUPLICATION, POSTAXIAL POLYDACTYLY, AND ABSENCE OF CORPUS CALLOSUM. Identifiers: Orphanet 36, MedGen C0796147, MONDO:0008708, OMIM 200990.
Hydrolethalus syndrome 2 (HLS2). Identifiers: Orphanet 2189, MedGen C3279899, MONDO:0013585, OMIM 614120.
Multiple epiphyseal dysplasia, Al-Gazali type. Also called: Macrocephaly with multiple epiphyseal dysplasia and distinctive facies. Identifiers: Orphanet 166024, MedGen C1846722, MONDO:0011778, OMIM 607131.

Allele frequency attached by ClinVar (database versions not stated): gnomAD exomes 0.00003 and 0.00005; ExAC 0.00004; gnomAD 0.00006 and 0.00007; ESP Exome Variant Server 0.00008; TOPMed 0.00010; 1000 Genomes Project 30x 0.00016; 1000 Genomes Project 0.00020.
gnomAD v4.1: 84 of 1,609,156 alleles (0.0052%); highest among the groups gnomAD compares: African/African-American, 0.02%; no homozygotes.

Submissions (4):

Fulgent Genetics
Classification: Uncertain significance for Acrocallosal syndrome; Multiple epiphyseal dysplasia, Al-Gazali type; Hydrolethalus syndrome 2. Last evaluated: 2024-03-27. Review status: criteria provided, single submitter. Criteria: ACMG Guidelines, 2015. Collection method: clinical testing. Allele origin: germline.

Labcorp Genetics (formerly Invitae), Labcorp
Classification: Uncertain significance for Acrocallosal syndrome. Last evaluated: 2023-11-06. Review status: criteria provided, single submitter. Criteria: Invitae Variant Classification Sherloc (09022015). Collection method: clinical testing. Allele origin: germline.
Comment: This sequence change replaces arginine, which is basic and polar, with cysteine, which is neutral and slightly polar, at codon 1066 of the KIF7 protein (p.Arg1066Cys). This variant is present in population databases (rs77474187, gnomAD 0.03%). This variant has not been reported in the literature in individuals affected with KIF7-related conditions. ClinVar contains an entry for this variant (Variation ID: 501985). Advanced modeling of protein sequence and biophysical properties (such as structural, functional, and spatial information, amino acid conservation, physicochemical variation, residue mobility, and thermodynamic stability) has been performed at Invitae for this missense variant, however the output from this modeling did not meet the statistical confidence thresholds required to predict the impact of this variant on KIF7 protein function. In summary, the available evidence is currently insufficient to determine the role of this variant in disease. Therefore, it has been classified as a Variant of Uncertain Significance.

Blueprint Genetics
Classification: Uncertain significance. Last evaluated: 2023-03-31. Review status: criteria provided, single submitter. Criteria: ACMG Guidelines, 2015. Collection method: clinical testing. Allele origin: germline.

Eurofins Ntd Llc (ga)
Classification: Uncertain significance. Last evaluated: 2017-05-23. Review status: criteria provided, single submitter. Criteria: EGL Classification Definitions 2015. Collection method: clinical testing. Allele origin: germline. Observed: 1 variant allele, 1 heterozygote.

NM_198525.3(KIF7):c.3196C>T (p.Arg1066Cys)

Gene: KIF7 (kinesin family member 7; minus strand). Cytogenetic location: 15q26.1.
Variant type: single nucleotide variant.
Coding change: c.3196C>T on transcript NM_198525.3 (MANE Select); coding-DNA position 3196, C replaced by T.
Protein change: p.Arg1066Cys; replaces arginine 1066 with cysteine.
Molecular consequence: missense variant.
Genome position (GRCh38, 1-based): chr15:89,630,409, G>A on the plus strand (C>T on the coding strand, the complement: KIF7 is on the minus strand). VCF-style: chr15-89630409-G-A. GRCh37 (hg19) VCF-style: chr15-90173640-G-A.
Other names: short protein forms R1066C.
Identifiers: ClinVar variation 501985 (VCV000501985.12), dbSNP rs77474187, ClinGen allele CA7727803.